The following is an entry in ClinVar:

ClinVar aggregate classification (germline): Conflicting classifications of pathogenicity. Review status: criteria provided, conflicting classifications (1 of 4 stars). 4 submissions from 4 submitters: Uncertain significance (1); Likely benign (2). 1 of the submissions does not count toward it. Last evaluated 2024-10-23.

Conditions:
DST-related disorder. Also called: DST-related condition; DST-related disorders.
Hereditary sensory and autonomic neuropathy type 6. Also called: Neuropathy, hereditary sensory and autonomic, type VI; HSAN VI. Identifiers: Orphanet 314381, MedGen C3539003, MONDO:0013839, OMIM 614653.
Epidermolysis bullosa simplex 3, localized or generalized intermediate, with BP230 deficiency (EBS3). Also called: Epidermolysis bullosa simplex due to BP230 deficiency; Epidermolysis bullosa simplex, autosomal recessive 2. Identifiers: Orphanet 412181, MedGen C3809470, MONDO:0014180, OMIM 615425.

Allele frequency attached by ClinVar (database versions not stated): TOPMed 0.00007.
gnomAD v4.1: 83 of 1,613,722 alleles (0.0051%); highest among the groups gnomAD compares: Admixed American, 0.12%; 3 homozygotes.

Submissions (4):

Labcorp Genetics (formerly Invitae), Labcorp
Classification: Likely benign for Epidermolysis bullosa simplex 3, localized or generalized intermediate, with BP230 deficiency; Hereditary sensory and autonomic neuropathy type 6. Last evaluated: 2024-10-23. Review status: criteria provided, single submitter. Criteria: Invitae Variant Classification Sherloc (09022015). Collection method: clinical testing. Allele origin: germline.

GeneDx
Classification: Uncertain significance. Last evaluated: 2024-05-10. Review status: criteria provided, single submitter. Criteria: GeneDx Variant Classification Process June 2021. Collection method: clinical testing. Allele origin: germline. Affected: yes.
Comment: In silico analysis indicates that this missense variant does not alter protein structure/function; Has not been previously published as pathogenic or benign to our knowledge

CeGaT Center for Human Genetics Tuebingen
Classification: Likely benign. Last evaluated: 2023-09-01. Review status: criteria provided, single submitter. Criteria: CeGaT Center For Human Genetics Tuebingen Variant Classification Criteria Version 2. Collection method: clinical testing. Allele origin: germline. Affected: yes. Observed: 1 variant allele.
Comment: DST: BP4, BS2

PreventionGenetics, part of Exact Sciences
Classification: Likely benign for DST-related condition. Last evaluated: 2024-03-29. Review status: no assertion criteria provided. Collection method: clinical testing. Allele origin: germline. Not counted in ClinVar's aggregate classification.
Comment: This variant is classified as likely benign based on ACMG/AMP sequence variant interpretation guidelines (Richards et al. 2015 PMID: 25741868, with internal and published modifications).

NM_001374736.1(DST):c.3986G>A (p.Arg1329Gln)

Gene: DST (dystonin; minus strand). Cytogenetic location: 6p12.1.
Variant type: single nucleotide variant.
Coding change: c.3986G>A on transcript NM_001374736.1 (MANE Select); coding-DNA position 3986, G replaced by A.
Protein change: p.Arg1329Gln; replaces arginine 1329 with glutamine.
Molecular consequence: missense variant.
Genome position (GRCh38, 1-based): chr6:56,631,367, C>T on the plus strand (G>A on the coding strand, the complement: DST is on the minus strand). VCF-style: chr6-56631367-C-T. GRCh37 (hg19) VCF-style: chr6-56496165-C-T.
Other names: c.3887G>A, p.Arg1296Gln (NM_001144769.5); c.3473G>A, p.Arg1158Gln (NM_001144770.2); c.3986G>A, p.Arg1329Gln (NM_001374722.1); c.3353G>A, p.Arg1118Gln (NM_001374729.1, NM_001374730.1, NM_001386100.1 and 1 more transcripts); c.4013G>A, p.Arg1338Gln (NM_001374734.1); c.2375G>A, p.Arg792Gln (NM_001723.7, NM_015548.5); short protein forms R1118Q, R1158Q, R1296Q, R1338Q, R792Q, R1329Q.
Identifiers: ClinVar variation 705076 (VCV000705076.37), dbSNP rs763518239, ClinGen allele CA3870993.